The following is an entry in ClinVar:

NM_001277115.2(DNAH11):c.283G>C (p.Glu95Gln)

Gene: DNAH11 (dynein axonemal heavy chain 11; plus strand). Cytogenetic location: 7p15.3.
Variant type: single nucleotide variant.
Coding change: c.283G>C on transcript NM_001277115.2 (MANE Select); coding-DNA position 283, G replaced by C.
Protein change: p.Glu95Gln; replaces glutamic acid 95 with glutamine.
Molecular consequence: missense variant.
Genome position (GRCh38, 1-based): chr7:21,543,528, G>C. VCF-style: chr7-21543528-G-C. GRCh37 (hg19) VCF-style: chr7-21583146-G-C.
Other names: c.283G>C, p.Glu95Gln (NM_003777.3); short protein forms E95Q.
Identifiers: ClinVar variation 1912258 (VCV001912258.3), dbSNP rs1380410361, ClinGen allele CA366931536.
Genomic context (GRCh38, chr7:21,543,528, plus strand): 5'-GAGAAATGGAGCCAGTATTTGGAAAGCGAGGACAACCGGCAGGTTCTTGGGGAGTTTCTG[G>C]AAAGCACCAGCCCGGCTTGCCTTGTGTTTAGCTTCGCCGCCTCGGGGCGCCTTGCGGCTT-3'
Protein context (NP_001264044.1, residues 85-105): DNRQVLGEFL[Glu95Gln]STSPACLVFS

ClinVar aggregate classification (germline): Uncertain significance (1 of 4 stars; one submission).

Conditions:
Primary ciliary dyskinesia. Also called: Ciliary dyskinesia. Identifiers: Orphanet 244, MedGen C0008780, MONDO:0016575, HP:0012265.

gnomAD v4.1: 6 of 1,609,988 alleles (0.00037%); highest among the groups gnomAD compares: Non-Finnish European, 0.00051%; no homozygotes.

Submission:

Labcorp Genetics (formerly Invitae), Labcorp
Classification: Uncertain significance for Primary ciliary dyskinesia. Last evaluated: 2024-10-23. Review status: criteria provided, single submitter. Criteria: Invitae Variant Classification Sherloc (09022015). Collection method: clinical testing. Allele origin: germline.
Comment: This sequence change replaces glutamic acid, which is acidic and polar, with glutamine, which is neutral and polar, at codon 95 of the DNAH11 protein (p.Glu95Gln). This variant is not present in population databases (gnomAD no frequency). This variant has not been reported in the literature in individuals affected with DNAH11-related conditions. ClinVar contains an entry for this variant (Variation ID: 1912258). Invitae Evidence Modeling of protein sequence and biophysical properties (such as structural, functional, and spatial information, amino acid conservation, physicochemical variation, residue mobility, and thermodynamic stability) indicates that this missense variant is not expected to disrupt DNAH11 protein function with a negative predictive value of 95%. In summary, the available evidence is currently insufficient to determine the role of this variant in disease. Therefore, it has been classified as a Variant of Uncertain Significance.